The following is an entry in ClinVar:

NM_000265.7(NCF1):c.292T>G (p.Cys98Gly)

Genes: NCF1 (neutrophil cytosolic factor 1; plus strand), LOC106029312 (Williams-Beuren syndrome medial block B recombination region; plus strand). Cytogenetic location: 7q11.23.
Variant type: single nucleotide variant.
Coding change: c.292T>G on transcript NM_000265.7 (MANE Select); coding-DNA position 292, T replaced by G.
Protein change: p.Cys98Gly; replaces cysteine 98 with glycine.
Molecular consequence: missense variant.
Genome position (GRCh38, 1-based): chr7:74,779,319, T>G. VCF-style: chr7-74779319-T-G. GRCh37 (hg19) VCF-style: chr7-74193665-T-G.
Other names: short protein forms C98G.
Identifiers: ClinVar variation 1175021 (VCV001175021.32), dbSNP rs144018361, ClinGen allele CA4298093.

ClinVar aggregate classification (germline): Conflicting classifications of pathogenicity. Review status: criteria provided, conflicting classifications (1 of 4 stars). 6 submissions from 6 submitters: Uncertain significance (2); Likely benign (1). 3 of the submissions do not count toward it. Last evaluated 2026-06-01.

Conditions:
Granulomatous disease, chronic, autosomal recessive, cytochrome b-positive, type 1. Also called: CGD, AUTOSOMAL RECESSIVE CYTOCHROME b-POSITIVE, TYPE I; GRANULOMATOUS DISEASE, CHRONIC, DUE TO NCF1 DEFICIENCY; Chronic granulomatous disease due to deficiency of NCF-1; Chronic Granulomatous Disease, Autosomal Recessive, Cytochrome b-Positive, Type I; Chronic granulomatous disease 1, autosomal recessive. Identifiers: Orphanet 379, MedGen C1856251, MONDO:0009309, OMIM 233700.

Allele frequency attached by ClinVar (database versions not stated): 1000 Genomes Project 0.00040; 1000 Genomes Project 30x 0.00047; ESP Exome Variant Server 0.00056; ExAC 0.00073; gnomAD exomes 0.00083 and 0.00132; TOPMed 0.00104; gnomAD 0.00117 and 0.00124.
gnomAD v4.1: 2,102 of 1,608,052 alleles (0.13%); highest among the groups gnomAD compares: Non-Finnish European, 0.16%; 39 homozygotes.

Submissions (6):

CeGaT Center for Human Genetics Tuebingen
Classification: Likely benign. Last evaluated: 2026-06-01. Review status: criteria provided, single submitter. Criteria: CeGaT Center For Human Genetics Tuebingen Variant Classification Criteria Version 2. Collection method: clinical testing. Allele origin: germline. Affected: yes. Observed: 6 variant alleles.
Comment: NCF1: BS2

Blueprint Genetics
Classification: Uncertain significance. Last evaluated: 2024-11-12. Review status: criteria provided, single submitter. Criteria: ACMG Guidelines, 2015. Collection method: clinical testing. Allele origin: germline.

Fulgent Genetics
Classification: Uncertain significance for Granulomatous disease, chronic, autosomal recessive, cytochrome b-positive, type 1. Last evaluated: 2022-05-13. Review status: criteria provided, single submitter. Criteria: ACMG Guidelines, 2015. Collection method: clinical testing. Allele origin: unknown.

Clinical Genetics DNA and cytogenetics Diagnostics Lab, Erasmus MC, Erasmus Medical Center
Classification: Uncertain significance. Review status: no assertion criteria provided. Collection method: clinical testing. Allele origin: germline. Affected: yes. Study: VKGL Data-share Consensus. Not counted in ClinVar's aggregate classification.

Diagnostic Laboratory, Department of Genetics, University Medical Center Groningen
Classification: Uncertain significance. Review status: no assertion criteria provided. Collection method: clinical testing. Allele origin: germline. Affected: yes. Study: VKGL Data-share Consensus. Not counted in ClinVar's aggregate classification.

Joint Genome Diagnostic Labs from Nijmegen and Maastricht, Radboudumc and MUMC+
Classification: Uncertain significance. Review status: no assertion criteria provided. Collection method: clinical testing. Allele origin: germline. Affected: yes. Study: VKGL Data-share Consensus. Not counted in ClinVar's aggregate classification.